The following is an entry in ClinVar:

NM_004360.5(CDH1):c.1666G>A (p.Val556Met)

Gene: CDH1 (cadherin 1; plus strand). Cytogenetic location: 16q22.1.
Variant type: single nucleotide variant.
Coding change: c.1666G>A on transcript NM_004360.5 (MANE Select); coding-DNA position 1666, G replaced by A.
Protein change: p.Val556Met; replaces valine 556 with methionine.
Molecular consequence: missense variant. On other transcripts: intron variant (1).
Genome position (GRCh38, 1-based): chr16:68,819,380, G>A. VCF-style: chr16-68819380-G-A. GRCh37 (hg19) VCF-style: chr16-68853283-G-A.
Other names: c.1666G>A (LRG_301t1); c.1483G>A, p.Val495Met (NM_001317184.2); c.118G>A, p.Val40Met (NM_001317185.2); c.-254-2621G>A (NM_001317186.2); short protein forms V556M, V40M, V495M.
Identifiers: ClinVar variation 483224 (VCV000483224.18), dbSNP rs876660399, ClinGen allele CA396465284.

ClinVar aggregate classification (germline): Uncertain significance. Review status: criteria provided, multiple submitters, no conflicts (2 of 4 stars). 3 submissions from 3 submitters: Uncertain significance (3). Last evaluated 2025-12-20.

Conditions:
Hereditary cancer-predisposing syndrome. Also called: Hereditary neoplastic syndrome; Neoplastic Syndromes, Hereditary; Tumor predisposition; Hereditary Cancer Syndrome. Identifiers: Orphanet 140162, MedGen C0027672, MeSH D009386, MONDO:0015356.
Hereditary diffuse gastric adenocarcinoma (HDGC). Also called: DIFFUSE GASTRIC AND LOBULAR BREAST CANCER SYNDROME. Identifiers: Orphanet 26106, MedGen C1708349, MONDO:0007648, OMIM 137215.

Allele frequency attached by ClinVar (database versions not stated): gnomAD exomes 0.00001.
gnomAD v4.1: 9 of 1,613,968 alleles (0.00056%); highest among the groups gnomAD compares: South Asian, 0.0066%; no homozygotes.

Submissions (3):

Labcorp Genetics (formerly Invitae), Labcorp
Classification: Uncertain significance for Hereditary diffuse gastric adenocarcinoma. Last evaluated: 2025-12-20. Review status: criteria provided, single submitter. Criteria: Invitae Variant Classification Sherloc (09022015). Collection method: clinical testing. Allele origin: germline.
Comment: This sequence change replaces valine, which is neutral and non-polar, with methionine, which is neutral and non-polar, at codon 556 of the CDH1 protein (p.Val556Met). This variant is present in population databases (no rsID available, gnomAD 0.01%). This missense change has been observed in individual(s) with breast cancer (PMID: 32658311). ClinVar contains an entry for this variant (Variation ID: 483224). An algorithm developed to predict the effect of missense changes on protein structure and function (PolyPhen-2) suggests that this variant is likely to be disruptive. In summary, the available evidence is currently insufficient to determine the role of this variant in disease. Therefore, it has been classified as a Variant of Uncertain Significance.

Ambry Genetics
Classification: Uncertain significance for Hereditary cancer-predisposing syndrome. Last evaluated: 2025-08-31. Review status: criteria provided, single submitter. Criteria: Ambry Variant Classification Scheme 2023. Collection method: clinical testing. Allele origin: germline.
Comment: The p.V556M variant (also known as c.1666G>A), located in coding exon 11 of the CDH1 gene, results from a G to A substitution at nucleotide position 1666. The valine at codon 556 is replaced by methionine, an amino acid with highly similar properties. This variant was identified in a cohort of 681 ancestrally diverse, healthy subjects (Bodian DL et al. PLoS One, 2014 Apr;9:e94554). This alteration was also seen in 1/732 breast cancer patients, 0/189 colorectal cancer patients and 0/490 cancer-free elderly controls in a Turkish population (Akcay IM et al. Int J Cancer, 2021 Jan;148:285-295). This amino acid position is well conserved in available vertebrate species. In addition, this alteration is predicted to be tolerated by in silico analysis. Since supporting evidence is limited at this time, the clinical significance of this alteration remains unclear.

Color Diagnostics, LLC DBA Color Health
Classification: Uncertain significance for Hereditary cancer-predisposing syndrome. Last evaluated: 2024-10-21. Review status: criteria provided, single submitter. Criteria: ACMG Guidelines, 2015. Collection method: clinical testing. Allele origin: germline.
Comment: This missense variant replaces valine with methionine at codon 556 of the CDH1 protein. To our knowledge, functional studies have not been reported for this variant. This variant has been reported in an individual affected with breast cancer (PMID: 32658311). This variant has been identified in 3/251478 chromosomes in the general population by the Genome Aggregation Database (gnomAD). The available evidence is insufficient to determine the role of this variant in disease conclusively. Therefore, this variant is classified as a Variant of Uncertain Significance.

Literature cited by the submitters: PubMed 32658311 (cited by 3 submitters); PubMed 24728327 (cited by Ambry Genetics).